The following is an entry in ClinVar:

NM_177559.3(CSNK2A1):c.323C>T (p.Thr108Ile)

Gene: CSNK2A1 (casein kinase 2 alpha 1; minus strand). Cytogenetic location: 20p13.
Variant type: single nucleotide variant.
Coding change: c.323C>T on transcript NM_177559.3 (MANE Select); coding-DNA position 323, C replaced by T.
Protein change: p.Thr108Ile; replaces threonine 108 with isoleucine.
Molecular consequence: missense variant. On other transcripts: 5 prime UTR variant (1).
Genome position (GRCh38, 1-based): chr20:499,298, G>A on the plus strand (C>T on the coding strand, the complement: CSNK2A1 is on the minus strand). VCF-style: chr20-499298-G-A. GRCh37 (hg19) VCF-style: chr20-479942-G-A.
Other names: c.323C>T, p.Thr108Ile (NM_001362770.2, NM_001362771.2, NM_001895.4); c.-86C>T (NM_177560.3); short protein forms T108I.
Identifiers: ClinVar variation 1309677 (VCV001309677.2), dbSNP rs2122542985, ClinGen allele CA407936512.

ClinVar aggregate classification (germline): Uncertain significance (1 of 4 stars; one submission).

Allele frequency attached by ClinVar (database versions not stated): gnomAD exomes below 0.00001.
gnomAD v4.1: 1 of 1,608,180 alleles (0.000062%); no homozygotes.

Submission:

GeneDx
Classification: Uncertain significance. Last evaluated: 2019-10-31. Review status: criteria provided, single submitter. Criteria: GeneDx Variant Classification Process June 2021. Collection method: clinical testing. Allele origin: germline. Affected: yes.
Comment: Not observed in large population cohorts (Lek et al., 2016); In silico analysis, which includes protein predictors and evolutionary conservation, supports a deleterious effect; Has not been previously published as pathogenic or benign to our knowledge